The following is an entry in ClinVar:

ClinVar aggregate classification (germline): Likely benign (1 of 4 stars; one submission).

Allele frequency attached by ClinVar (database versions not stated): gnomAD exomes below 0.00001.
gnomAD v4.1: 2 of 1,610,920 alleles (0.00012%); highest among the groups gnomAD compares: South Asian, 0.0011%; no homozygotes.

Submission:

GeneDx
Classification: Likely benign. Last evaluated: 2017-04-10. Review status: criteria provided, single submitter. Criteria: GeneDx Variant Classification (06012015). Collection method: clinical testing. Allele origin: germline. Affected: yes.
Comment: This variant is considered likely benign or benign based on one or more of the following criteria: it is a conservative change, it occurs at a poorly conserved position in the protein, it is predicted to be benign by multiple in silico algorithms, and/or has population frequency not consistent with disease.

NM_001851.6(COL9A1):c.1089+11C>T

Gene: COL9A1 (collagen type IX alpha 1 chain; minus strand). Cytogenetic location: 6q13.
Variant type: single nucleotide variant.
Coding change: c.1089+11C>T on transcript NM_001851.6 (MANE Select); 11 bases into the intron after coding-DNA position 1089, C replaced by T.
Molecular consequence: intron variant.
Genome position (GRCh38, 1-based): chr6:70,272,054, G>A on the plus strand (C>T on the coding strand, the complement: COL9A1 is on the minus strand). VCF-style: chr6-70272054-G-A. GRCh37 (hg19) VCF-style: chr6-70981757-G-A.
Other names: c.360+11C>T (NM_001377290.1, NM_078485.4, NM_001377289.1).
Identifiers: ClinVar variation 508770 (VCV000508770.1), dbSNP rs1554243437, ClinGen allele CA650435709.